The following is an entry in ClinVar:

NM_003738.5(PTCH2):c.1137C>A (p.Ser379=)

Gene: PTCH2 (patched 2; minus strand). Cytogenetic location: 1p34.1.
Variant type: single nucleotide variant.
Coding change: c.1137C>A on transcript NM_003738.5 (MANE Select); coding-DNA position 1137, C replaced by A.
Protein change: p.Ser379=; no amino-acid change (serine 379 retained).
Molecular consequence: synonymous variant.
Genome position (GRCh38, 1-based): chr1:44,829,480, G>T on the plus strand (C>A on the coding strand, the complement: PTCH2 is on the minus strand). VCF-style: chr1-44829480-G-T. GRCh37 (hg19) VCF-style: chr1-45295152-G-T.
Other names: c.1137C>A, p.Ser379= (NM_001166292.2).
Identifiers: ClinVar variation 3053185 (VCV003053185.2), dbSNP rs376657988, ClinGen allele CA823416.
Genomic context (GRCh38, chr1:44,829,480, plus strand): 5'-CACCACACGGGCAGCACTGACTTCAGAGAACGCATGCAGGATGTCATCCAGGGTGGTGGA[G>T]GAGAAGGCATGGATCTGCTGGGAAGCGTTCTCAGGCAGGGCCTCCTGGGCCAGCTGGAGA-3'
Protein context (NP_003729.3, residues 369-389): ENASQQIHAF[Ser379=]STTLDDILHA

ClinVar aggregate classification (germline): Likely benign (0 of 4 stars; one submission).

Conditions:
PTCH2-related disorder. Also called: PTCH2-related condition; PTCH2-related disease.

Allele frequency attached by ClinVar (database versions not stated): ExAC 0.00001; ESP Exome Variant Server 0.00008.

Submission:

PreventionGenetics, part of Exact Sciences
Classification: Likely benign for PTCH2-related condition. Last evaluated: 2022-06-02. Review status: no assertion criteria provided. Collection method: clinical testing. Allele origin: germline.
Comment: This variant is classified as likely benign based on ACMG/AMP sequence variant interpretation guidelines (Richards et al. 2015 PMID: 25741868, with internal and published modifications).